The following is an entry in ClinVar:

NM_000458.4(HNF1B):c.*67G>C

Gene: HNF1B (HNF1 homeobox B; minus strand). Cytogenetic location: 17q12.
Variant type: single nucleotide variant.
Coding change: c.*67G>C on transcript NM_000458.4 (MANE Select); 67 bases downstream of the stop codon, G replaced by C.
Molecular consequence: 3 prime UTR variant. On other transcripts: missense variant (2).
Genome position (GRCh38, 1-based): chr17:37,687,305, C>G on the plus strand (G>C on the coding strand, the complement: HNF1B is on the minus strand). VCF-style: chr17-37687305-C-G. GRCh37 (hg19) VCF-style: chr17-36047308-C-G.
Other names: c.*67G>C (NM_001165923.4); c.1349G>C, p.Gly450Ala (NM_001304286.2); c.1622G>C, p.Gly541Ala (NM_001411100.1); c.1349G>C (NM_001304286.1); short protein forms G450A, G541A.
Identifiers: ClinVar variation 3896156 (VCV003896156.3).

ClinVar aggregate classification (germline): Uncertain significance. Review status: criteria provided, multiple submitters, no conflicts (2 of 4 stars). 2 submissions from 2 submitters: Uncertain significance (2). Last evaluated 2026-07-27.

Conditions:
HNF1B-related disorder. Also called: HNF1B-related disorders; HNF1B-related condition.

gnomAD v4.1: 4 of 1,613,872 alleles (0.00025%); highest among the groups gnomAD compares: East Asian, 0.0045%; no homozygotes.

Submissions (2):

PreventionGenetics, part of Exact Sciences
Classification: Uncertain significance for HNF1B-related condition. Last evaluated: 2026-07-27. Review status: criteria provided, single submitter. Criteria: ACMG Guidelines, 2015. Collection method: clinical testing. Allele origin: germline.
Comment: The HNF1B c.1349G>C variant is predicted to result in the amino acid substitution p.Gly450Ala. To our knowledge, this variant has not been reported in the literature or in a large population database (gnomAD), indicating this variant is rare. At this time, the clinical significance of this variant is uncertain due to the absence of conclusive functional and genetic evidence.

Women's Health and Genetics/Laboratory Corporation of America, LabCorp
Classification: Uncertain significance. Last evaluated: 2025-04-21. Review status: criteria provided, single submitter. Criteria: LabCorp Variant Classification Summary - May 2015. Collection method: clinical testing. Allele origin: germline.
Comment: Variant summary: HNF1B NM_000458.4 c.*67G>C is located in the untranslated mRNA region downstream of the termination codon. This variant, also annotated as HNF1B NM_001304286.2 c.1349G>C (p.Gly450Ala), results in a non-conservative amino acid change in the encoded protein sequence. The variant allele was found at a frequency of 2.5e-06 in 1606898 control chromosomes (gnomAD v4.1). The available data on variant occurrences in the general population are insufficient to allow any conclusion about variant significance. To our knowledge, no occurrence of c.*67G>C in individuals affected with Maturity Onset Diabetes Of The Young 5 (Renal Cysts And Diabetes Syndrome) and no experimental evidence demonstrating its impact on protein function have been reported. No submitters have cited clinical-significance assessments for this variant to ClinVar. Based on the evidence outlined above, the variant was classified as uncertain significance.